The following is an entry in ClinVar:

ClinVar aggregate classification (germline): Benign/Likely benign. Review status: criteria provided, multiple submitters, no conflicts (2 of 4 stars). 7 submissions from 7 submitters: Benign (2); Likely benign (5). Last evaluated 2026-02-01.

Conditions:
Autosomal dominant aplasia and myelodysplasia. Also called: Bone marrow failure syndrome 1. Identifiers: Orphanet 314399, MedGen C3808553, MONDO:0013851, OMIM 614675.

Allele frequency attached by ClinVar (database versions not stated): 1000 Genomes Project 0.00060; ExAC 0.00062; gnomAD exomes 0.00074 and 0.00124; 1000 Genomes Project 30x 0.00078; gnomAD 0.00091 and 0.00108; TOPMed 0.00126; ESP Exome Variant Server 0.00138.
gnomAD v4.1: 1,961 of 1,614,112 alleles (0.12%); highest among the groups gnomAD compares: Admixed American, 0.15%; 3 homozygotes.

Submissions (7):

Labcorp Genetics (formerly Invitae), Labcorp
Classification: Likely benign. Last evaluated: 2026-02-01. Review status: criteria provided, single submitter. Criteria: Invitae Variant Classification Sherloc (09022015). Collection method: clinical testing. Allele origin: germline.

Blueprint Genetics
Classification: Likely benign. Last evaluated: 2024-11-23. Review status: criteria provided, single submitter. Criteria: ACMG Guidelines, 2015. Collection method: clinical testing. Allele origin: germline.

Ambry Genetics
Classification: Likely benign. Last evaluated: 2024-10-02. Review status: criteria provided, single submitter. Criteria: Ambry Variant Classification Scheme 2023. Collection method: clinical testing. Allele origin: germline.

CeGaT Center for Human Genetics Tuebingen
Classification: Benign. Last evaluated: 2022-03-01. Review status: criteria provided, single submitter. Criteria: CeGaT Center For Human Genetics Tuebingen Variant Classification Criteria Version 2. Collection method: clinical testing. Allele origin: germline. Affected: yes. Observed: 1 variant allele.
Comment: SRP72: BS1, BS2

GeneDx
Classification: Likely benign. Last evaluated: 2021-07-26. Review status: criteria provided, single submitter. Criteria: GeneDx Variant Classification Process June 2021. Collection method: clinical testing. Allele origin: germline. Affected: yes.

Illumina Laboratory Services, Illumina
Classification: Benign for Autosomal dominant aplasia and myelodysplasia. Last evaluated: 2018-01-13. Review status: criteria provided, single submitter. Criteria: ICSL Variant Classification Criteria 13 December 2019. Collection method: clinical testing. Allele origin: germline.
Comment: This variant was observed in the ICSL laboratory as part of a predisposition screen in an ostensibly healthy population. It had not been previously curated by ICSL or reported in the Human Gene Mutation Database (HGMD: prior to June 1st, 2018), and was therefore a candidate for classification through an automated scoring system. Utilizing variant allele frequency, disease prevalence and penetrance estimates, and inheritance mode, an automated score was calculated to assess if this variant is too frequent to cause the disease. Based on the score and internal cut-off values, a variant classified as benign is not then subjected to further curation. The score for this variant resulted in a classification of benign for this disease.

Genetic Services Laboratory, University of Chicago
Classification: Likely benign. Last evaluated: 2017-04-12. Review status: criteria provided, single submitter. Criteria: ACMG Guidelines, 2015. Collection method: clinical testing. Allele origin: germline. Affected: no.

NM_006947.4(SRP72):c.2004A>G (p.Lys668=)

Gene: SRP72 (signal recognition particle 72; plus strand). Cytogenetic location: 4q12.
Variant type: single nucleotide variant.
Coding change: c.2004A>G on transcript NM_006947.4 (MANE Select); coding-DNA position 2004, A replaced by G.
Protein change: p.Lys668=; no amino-acid change (lysine 668 retained).
Molecular consequence: synonymous variant. On other transcripts: non-coding transcript variant (1).
Genome position (GRCh38, 1-based): chr4:56,501,849, A>G. VCF-style: chr4-56501849-A-G. GRCh37 (hg19) VCF-style: chr4-57368015-A-G.
Other names: c.1821A>G, p.Lys607= (NM_001267722.2).
Identifiers: ClinVar variation 349135 (VCV000349135.45), dbSNP rs148068843, ClinGen allele CA2931520.